The following is an entry in ClinVar:

NM_000135.4(FANCA):c.1505dup (p.Tyr503fs)

Gene: FANCA (FA complementation group A; minus strand). Cytogenetic location: 16q24.3.
Variant type: Duplication.
Coding change: c.1505dup on transcript NM_000135.4 (MANE Select); coding-DNA position 1505, one base duplicated (A; older notation c.1505dupA).
Protein change: p.Tyr503fs; shifts the reading frame from tyrosine 503.
Molecular consequence: frameshift variant.
Genome position (GRCh38, 1-based): chr16:89,783,068, T duplicated on the plus strand (A on the coding strand, the reverse complement: FANCA is on the minus strand); the first of 2 consecutive T bases (chr16:89,783,068-89,783,069); duplicating either gives the same sequence. VCF-style (leftmost placement, unchanged base first): chr16-89783067-C-CT. GRCh37 (hg19) VCF-style: chr16-89849475-C-CT.
Other names: c.1505dup, p.Tyr503fs (NM_001286167.3); short protein forms Y503fs.
Identifiers: ClinVar variation 2009426 (VCV002009426.4), dbSNP rs2544243642, ClinGen allele CA2580092378.

ClinVar aggregate classification (germline): Pathogenic (1 of 4 stars; one submission).

Conditions:
Fanconi anemia (FA). Also called: Fanconi's anemia. Identifiers: Orphanet 84, MedGen C0015625, MeSH D005199, MONDO:0019391.

Submission:

Labcorp Genetics (formerly Invitae), Labcorp
Classification: Pathogenic for Fanconi anemia. Last evaluated: 2022-06-30. Review status: criteria provided, single submitter. Criteria: Invitae Variant Classification Sherloc (09022015). Collection method: clinical testing. Allele origin: germline.
Comment: For these reasons, this variant has been classified as Pathogenic. This variant has not been reported in the literature in individuals affected with FANCA-related conditions. This variant is not present in population databases (gnomAD no frequency). This sequence change creates a premature translational stop signal (p.Tyr503Valfs*40) in the FANCA gene. It is expected to result in an absent or disrupted protein product. Loss-of-function variants in FANCA are known to be pathogenic (PMID: 19367192).

Literature cited by the submitters: PubMed 19367192.